The following is an entry in ClinVar:

ClinVar aggregate classification (germline): Likely benign. Review status: criteria provided, multiple submitters, no conflicts (2 of 4 stars). 6 submissions from 6 submitters: Likely benign (5). 1 of the submissions does not count toward it. Last evaluated 2026-05-18.

Conditions:
KCNH1-related disorder. Also called: KCNH1-related disorders; KCNH1-related condition.
Inborn genetic diseases. Identifiers: MedGen C0950123, MeSH D030342.

Allele frequency attached by ClinVar (database versions not stated): ExAC 0.00015; ESP Exome Variant Server 0.00015; 1000 Genomes Project 0.00060; 1000 Genomes Project 30x 0.00062.
gnomAD v4.1: 276 of 1,612,650 alleles (0.017%); highest among the groups gnomAD compares: Admixed American, 0.048%; no homozygotes.

Submissions (6):

Ambry Genetics
Classification: Likely benign for Inborn genetic diseases. Last evaluated: 2026-05-18. Review status: criteria provided, single submitter. Criteria: Ambry Variant Classification Scheme 2023. Collection method: clinical testing. Allele origin: germline.

Labcorp Genetics (formerly Invitae), Labcorp
Classification: Likely benign. Last evaluated: 2025-12-15. Review status: criteria provided, single submitter. Criteria: Invitae Variant Classification Sherloc (09022015). Collection method: clinical testing. Allele origin: germline.

Blueprint Genetics
Classification: Likely benign. Last evaluated: 2024-11-01. Review status: criteria provided, single submitter. Criteria: ACMG Guidelines, 2015. Collection method: clinical testing. Allele origin: germline.

CeGaT Center for Human Genetics Tuebingen
Classification: Likely benign. Last evaluated: 2024-07-01. Review status: criteria provided, single submitter. Criteria: CeGaT Center For Human Genetics Tuebingen Variant Classification Criteria Version 2. Collection method: clinical testing. Allele origin: germline. Affected: yes. Observed: 1 variant allele.
Comment: KCNH1: BS1

Breakthrough Genomics
Classification: Likely benign. Review status: criteria provided, single submitter. Criteria: ACMG Guidelines, 2015. Collection method: not provided. Allele origin: germline. Inheritance: Autosomal dominant inheritance. Affected: yes.

PreventionGenetics, part of Exact Sciences
Classification: Likely benign for KCNH1-related condition. Last evaluated: 2023-01-09. Review status: no assertion criteria provided. Collection method: clinical testing. Allele origin: germline. Not counted in ClinVar's aggregate classification.
Comment: This variant is classified as likely benign based on ACMG/AMP sequence variant interpretation guidelines (Richards et al. 2015 PMID: 25741868, with internal and published modifications).

NM_172362.3(KCNH1):c.2332G>A (p.Ala778Thr)

Gene: KCNH1 (potassium voltage-gated channel subfamily H member 1; minus strand). Cytogenetic location: 1q32.2.
Variant type: single nucleotide variant.
Coding change: c.2332G>A on transcript NM_172362.3 (MANE Select); coding-DNA position 2332, G replaced by A.
Protein change: p.Ala778Thr; replaces alanine 778 with threonine.
Molecular consequence: missense variant.
Genome position (GRCh38, 1-based): chr1:210,683,919, C>T on the plus strand (G>A on the coding strand, the complement: KCNH1 is on the minus strand). VCF-style: chr1-210683919-C-T. GRCh37 (hg19) VCF-style: chr1-210857261-C-T.
Other names: c.2332G>A (NM_172362.2); c.2251G>A, p.Ala751Thr (NM_002238.4); short protein forms A751T, A778T.
Identifiers: ClinVar variation 1634135 (VCV001634135.28), dbSNP rs72751436, ClinGen allele CA1379700.